The following is an entry in ClinVar:

ClinVar aggregate classification (germline): Uncertain significance. Review status: criteria provided, multiple submitters, no conflicts (2 of 4 stars). 2 submissions from 2 submitters: Uncertain significance (2). Last evaluated 2025-08-18.

Conditions:
Werner syndrome (WRN). Identifiers: Orphanet 902, MedGen C0043119, MONDO:0010196, OMIM 277700.

Allele frequency attached by ClinVar (database versions not stated): gnomAD exomes below 0.00001 and 0.00002; ExAC 0.00001; gnomAD 0.00003; TOPMed 0.00003.
gnomAD v4.1: 13 of 1,613,826 alleles (0.00081%); highest among the groups gnomAD compares: African/African-American, 0.008%; no homozygotes.

Submissions (2):

Labcorp Genetics (formerly Invitae), Labcorp
Classification: Uncertain significance for Werner syndrome. Last evaluated: 2025-08-18. Review status: criteria provided, single submitter. Criteria: Invitae Variant Classification Sherloc (09022015). Collection method: clinical testing. Allele origin: germline.
Comment: This sequence change replaces valine, which is neutral and non-polar, with alanine, which is neutral and non-polar, at codon 1155 of the WRN protein (p.Val1155Ala). This variant is present in population databases (rs769961391, gnomAD 0.01%). This variant has not been reported in the literature in individuals affected with WRN-related conditions. ClinVar contains an entry for this variant (Variation ID: 852286). An algorithm developed to predict the effect of missense changes on protein structure and function outputs the following: PolyPhen-2: "Benign". The alanine amino acid residue is found in multiple mammalian species, which suggests that this missense change does not adversely affect protein function. In summary, the available evidence is currently insufficient to determine the role of this variant in disease. Therefore, it has been classified as a Variant of Uncertain Significance.

GeneDx
Classification: Uncertain significance. Last evaluated: 2025-06-16. Review status: criteria provided, single submitter. Criteria: GeneDx Variant Classification Process June 2021. Collection method: clinical testing. Allele origin: germline. Affected: yes.
Comment: In silico analysis suggests that this missense variant does not alter protein structure/function; Observed with p.(A693V) in an individual with primary ovarian insufficiency (PMID: 36099812); This variant is associated with the following publications: (PMID: 36099812)

NM_000553.6(WRN):c.3464T>C (p.Val1155Ala)

Gene: WRN (WRN RecQ like helicase; plus strand). Cytogenetic location: 8p12.
Variant type: single nucleotide variant.
Coding change: c.3464T>C on transcript NM_000553.6 (MANE Select); coding-DNA position 3464, T replaced by C.
Protein change: p.Val1155Ala; replaces valine 1155 with alanine.
Molecular consequence: missense variant.
Genome position (GRCh38, 1-based): chr8:31,147,368, T>C. VCF-style: chr8-31147368-T-C. GRCh37 (hg19) VCF-style: chr8-31004884-T-C.
Other names: short protein forms V1155A.
Identifiers: ClinVar variation 852286 (VCV000852286.7), dbSNP rs769961391, ClinGen allele CA4705088.